The following is an entry in ClinVar:

NM_000122.2(ERCC3):c.659_660insA (p.Ser221fs)

Gene: ERCC3 (ERCC excision repair 3, TFIIH core complex helicase subunit; minus strand). Cytogenetic location: 2q14.3.
Variant type: Insertion.
Coding change: c.659_660insA on transcript NM_000122.2 (MANE Select); coding-DNA positions 659 to 660, A inserted.
Protein change: p.Ser221fs; shifts the reading frame from serine 221.
Molecular consequence: frameshift variant.
Genome position: GRCh38 VCF-style: chr2-127289499-A-AT. GRCh37 (hg19) VCF-style: chr2-128047075-A-AT.
Other names: c.467_468insA, p.Ser157fs (NM_001303416.2, NM_001303418.2); short protein forms S221fs, S157fs.
Identifiers: ClinVar variation 1456206 (VCV001456206.6), dbSNP rs1391179566, ClinGen allele CA536067604.
Genomic context (GRCh38, chr2:127,289,499, plus strand): 5'-ACCCTGTGGATCTGTCACTCGGGAAGTGGAGGGCCCACCACTGCTTTCAGCAGTCTTAGA[A>AT]ATCTGTGAGAGAGGTAGGTGCTGAACGTGCACACAACATTTAATTCTGCTGTTATCAAGC-3'

ClinVar aggregate classification (germline): Pathogenic (1 of 4 stars; one submission).

Allele frequency attached by ClinVar (database versions not stated): gnomAD exomes below 0.00001 and 0.00001.

Submission:

Labcorp Genetics (formerly Invitae), Labcorp
Classification: Pathogenic. Last evaluated: 2021-07-28. Review status: criteria provided, single submitter. Criteria: Invitae Variant Classification Sherloc (09022015). Collection method: clinical testing. Allele origin: germline.
Comment: This variant is not present in population databases (ExAC no frequency). This sequence change creates a premature translational stop signal (p.Ser221Phefs*2) in the ERCC3 gene. It is expected to result in an absent or disrupted protein product. Loss-of-function variants in ERCC3 are known to be pathogenic (PMID: 16947863). For these reasons, this variant has been classified as Pathogenic. This variant has not been reported in the literature in individuals affected with ERCC3-related conditions.

Literature cited by the submitters: PubMed 16947863.